The following is an entry in ClinVar:

ClinVar aggregate classification (germline): Conflicting classifications of pathogenicity. Review status: criteria provided, conflicting classifications (1 of 4 stars). 5 submissions from 5 submitters: Uncertain significance (4); Likely benign (1). Last evaluated 2024-10-23.

Conditions:
Hereditary cancer-predisposing syndrome. Also called: Hereditary neoplastic syndrome; Tumor predisposition; Neoplastic Syndromes, Hereditary; Hereditary Cancer Syndrome. Identifiers: Orphanet 140162, MedGen C0027672, MeSH D009386, MONDO:0015356.
Mismatch repair cancer syndrome 4. Identifiers: MedGen C5436817, MONDO:0030843, OMIM 619101.
Lynch syndrome 4 (LYNCH4). Also called: Hereditary non-polyposis colorectal cancer, type 4; Colorectal cancer, hereditary nonpolyposis, type 4. Identifiers: Orphanet 144, MedGen C1838333, MONDO:0013699, OMIM 614337. Disease mechanism: loss of function.
Hereditary nonpolyposis colorectal neoplasms. Identifiers: MedGen C0009405, MeSH D003123.

Submissions (5):

Labcorp Genetics (formerly Invitae), Labcorp
Classification: Uncertain significance for Hereditary nonpolyposis colorectal neoplasms. Last evaluated: 2024-10-23. Review status: criteria provided, single submitter. Criteria: Invitae Variant Classification Sherloc (09022015). Collection method: clinical testing. Allele origin: germline.
Comment: This sequence change replaces glutamine, which is neutral and polar, with histidine, which is basic and polar, at codon 100 of the PMS2 protein (p.Gln100His). This variant is not present in population databases (gnomAD no frequency). This variant has not been reported in the literature in individuals affected with PMS2-related conditions. ClinVar contains an entry for this variant (Variation ID: 419781). Invitae Evidence Modeling incorporating data from in vitro experimental studies (internal data) indicates that this missense variant is not expected to disrupt PMS2 function with a negative predictive value of 95%. In summary, the available evidence is currently insufficient to determine the role of this variant in disease. Therefore, it has been classified as a Variant of Uncertain Significance.

Ambry Genetics
Classification: Likely benign for Hereditary cancer-predisposing syndrome. Last evaluated: 2024-03-21. Review status: criteria provided, single submitter. Criteria: Ambry Variant Classification Scheme 2023. Collection method: clinical testing. Allele origin: germline.

Fulgent Genetics
Classification: Uncertain significance for Lynch syndrome 4; Mismatch repair cancer syndrome 4. Last evaluated: 2024-03-14. Review status: criteria provided, single submitter. Criteria: ACMG Guidelines, 2015. Collection method: clinical testing. Allele origin: germline.

Color Diagnostics, LLC DBA Color Health
Classification: Uncertain significance for Hereditary cancer-predisposing syndrome. Last evaluated: 2023-12-05. Review status: criteria provided, single submitter. Criteria: ACMG Guidelines, 2015. Collection method: clinical testing. Allele origin: germline.
Comment: This missense variant replaces glutamine with histidine at codon 100 of the PMS2 protein. Computational prediction suggests that this variant may not impact protein structure and function (internally defined REVEL score threshold <= 0.5, PMID: 27666373). To our knowledge, functional studies have not been reported for this variant. This variant has not been reported in individuals affected with PMS2-related disorders in the literature. This variant has not been identified in the general population by the Genome Aggregation Database (gnomAD). The available evidence is insufficient to determine the role of this variant in disease conclusively. Therefore, this variant is classified as a Variant of Uncertain Significance.

GeneDx
Classification: Uncertain significance. Last evaluated: 2015-08-31. Review status: criteria provided, single submitter. Criteria: GeneDx Variant Classification (06012015). Collection method: clinical testing. Allele origin: germline. Affected: yes.
Comment: This variant is denoted PMS2 c.300G>C at the cDNA level, p.Gln100His (Q100H) at the protein level, and results in the change of a Glutamine to a Histidine (CAG>CAC). This variant has not, to our knowledge, been published in the literature as pathogenic or benign. PMS2 Gln100His was not observed in approximately 6,500 individuals of European and African American ancestry in the NHLBI Exome Sequencing Project, indicating it is not a common benign variant in these populations. Since Glutamine and Histidine differ in some properties, this is considered a semi-conservative amino acid substitution. PMS2 Gln100His occurs at a position that is not conserved and is located in the ATPase domain (Fukui 2011). In silico analyses are inconsistent regarding the effect this variant may have on protein structure and function. Based on currently available information, it is unclear whether PMS2 Gln100His is pathogenic or benign. We consider it to be a variant of uncertain significance.

NM_000535.7(PMS2):c.300G>C (p.Gln100His)

Gene: PMS2 (PMS1 homolog 2, mismatch repair system component; minus strand). Cytogenetic location: 7p22.1.
Variant type: single nucleotide variant.
Coding change: c.300G>C on transcript NM_000535.7 (MANE Select); coding-DNA position 300, G replaced by C.
Protein change: p.Gln100His; replaces glutamine 100 with histidine.
Molecular consequence: missense variant. On other transcripts: 5 prime UTR variant (9), non-coding transcript variant (1), intron variant (2).
Genome position (GRCh38, 1-based): chr7:6,003,743, C>G on the plus strand (G>C on the coding strand, the complement: PMS2 is on the minus strand). VCF-style: chr7-6003743-C-G. GRCh37 (hg19) VCF-style: chr7-6043374-C-G.
Other names: c.-106G>C (NM_001322003.2, NM_001322004.2, NM_001322005.2 and 3 more transcripts); c.300G>C, p.Gln100His (NM_001322006.2, NM_001322014.2); c.-585G>C (NM_001322011.2, NM_001322012.2); c.-185G>C (NM_001322015.2); c.35+229G>C (NM_001322008.2, NM_001322007.2); short protein forms Q100H.
Identifiers: ClinVar variation 419781 (VCV000419781.18), dbSNP rs1064794102, ClinGen allele CA16618536.